The following is an entry in ClinVar:

ClinVar aggregate classification (germline): Uncertain significance (1 of 4 stars; one submission).

gnomAD v4.1: 1 of 1,614,116 alleles (0.000062%); highest among the groups gnomAD compares: Non-Finnish European, 0.000085%; no homozygotes.

Submission:

GeneDx
Classification: Uncertain significance. Last evaluated: 2024-02-01. Review status: criteria provided, single submitter. Criteria: GeneDx Variant Classification Process June 2021. Collection method: clinical testing. Allele origin: germline. Affected: yes.
Comment: In silico analysis supports that this missense variant has a deleterious effect on protein structure/function; Has not been previously published as pathogenic or benign to our knowledge

NM_002730.4(PRKACA):c.379G>A (p.Gly127Arg)

Gene: PRKACA (protein kinase cAMP-activated catalytic subunit alpha; minus strand). Cytogenetic location: 19p13.12.
Variant type: single nucleotide variant.
Coding change: c.379G>A on transcript NM_002730.4 (MANE Select); coding-DNA position 379, G replaced by A.
Protein change: p.Gly127Arg; replaces glycine 127 with arginine.
Molecular consequence: missense variant.
Genome position (GRCh38, 1-based): chr19:14,100,866, C>T on the plus strand (G>A on the coding strand, the complement: PRKACA is on the minus strand). VCF-style: chr19-14100866-C-T. GRCh37 (hg19) VCF-style: chr19-14211678-C-T.
Other names: c.607G>A, p.Gly203Arg (NM_001304349.2); c.355G>A, p.Gly119Arg (NM_207518.3); short protein forms G119R, G127R, G203R.
Identifiers: ClinVar variation 3368480 (VCV003368480.1).